The following is an entry in ClinVar:

NM_003482.4(KMT2D):c.16493C>G (p.Ser5498Cys)

Gene: KMT2D (lysine methyltransferase 2D; minus strand). Cytogenetic location: 12q13.12.
Variant type: single nucleotide variant.
Coding change: c.16493C>G on transcript NM_003482.4 (MANE Select); coding-DNA position 16493, C replaced by G.
Protein change: p.Ser5498Cys; replaces serine 5498 with cysteine.
Molecular consequence: missense variant.
Genome position (GRCh38, 1-based): chr12:49,022,071, G>C on the plus strand (C>G on the coding strand, the complement: KMT2D is on the minus strand). VCF-style: chr12-49022071-G-C. GRCh37 (hg19) VCF-style: chr12-49415854-G-C.
Other names: short protein forms S5498C.
Identifiers: ClinVar variation 3365175 (VCV003365175.2).

ClinVar aggregate classification (germline): Uncertain significance (1 of 4 stars; one submission).

gnomAD v4.1: 2 of 1,613,992 alleles (0.00012%); highest among the groups gnomAD compares: Non-Finnish European, 0.00017%; no homozygotes.

Submission:

GeneDx
Classification: Uncertain significance. Last evaluated: 2025-11-21. Review status: criteria provided, single submitter. Criteria: GeneDx Variant Classification Process June 2021. Collection method: clinical testing. Allele origin: germline.
Comment: Not observed at significant frequency in large population cohorts (gnomAD); In silico analysis supports that this missense variant has a deleterious effect on protein structure/function; Has not been previously published as pathogenic or benign to our knowledge